The following is an entry in ClinVar:

NM_022489.4(INF2):c.1115C>T (p.Ser372Phe)

Gene: INF2 (inverted formin 2; plus strand). Cytogenetic location: 14q32.33.
Variant type: single nucleotide variant.
Coding change: c.1115C>T on transcript NM_022489.4 (MANE Select); coding-DNA position 1115, C replaced by T.
Protein change: p.Ser372Phe; replaces serine 372 with phenylalanine.
Molecular consequence: missense variant.
Genome position (GRCh38, 1-based): chr14:104,707,382, C>T. VCF-style: chr14-104707382-C-T. GRCh37 (hg19) VCF-style: chr14-105173719-C-T.
Other names: c.1115C>T, p.Ser372Phe (NM_001031714.4); short protein forms S372F.
Identifiers: ClinVar variation 246490 (VCV000246490.10), dbSNP rs770882784, ClinGen allele CA7372510.
Genomic context (GRCh38, chr14:104,707,382, plus strand): 5'-CCCTGGTCAAGGCCCATAAAAGCGTCCAGGCCAACCTAGACCAGAGCCAGAGGGGCAGCT[C>T]CCCGCAAAACACTACAACCCCCAAGCCCAGCGTGGAGGGCCAGCAGCCAGCAGCAGCTGC-3'
Protein context (NP_071934.3, residues 362-382): ANLDQSQRGS[Ser372Phe]PQNTTTPKPS

ClinVar aggregate classification (germline): Likely benign. Review status: criteria provided, multiple submitters, no conflicts (2 of 4 stars). 5 submissions from 5 submitters: Likely benign (4). 1 of the submissions does not count toward it. Last evaluated 2025-10-17.

Conditions:
Focal segmental glomerulosclerosis 5 (FSGS5). Identifiers: Orphanet 656, MedGen C2750475, MONDO:0013191, OMIM 613237.
Charcot-Marie-Tooth disease dominant intermediate E. Also called: CHARCOT-MARIE-TOOTH NEUROPATHY WITH FOCAL SEGMENTAL GLOMERULONEPHRITIS. Identifiers: Orphanet 93114, MedGen C4302667, MONDO:0013758, OMIM 614455.
Inborn genetic diseases. Identifiers: MedGen C0950123, MeSH D030342.
INF2-related disorder. Also called: INF2-related condition.

Allele frequency attached by ClinVar (database versions not stated): gnomAD 0.00001; TOPMed 0.00004; gnomAD exomes 0.00006 and 0.00015; ExAC 0.00017.
gnomAD v4.1: 36 of 1,592,202 alleles (0.0023%); highest among the groups gnomAD compares: Admixed American, 0.061%; no homozygotes.

Submissions (5):

Labcorp Genetics (formerly Invitae), Labcorp
Classification: Likely benign for Charcot-Marie-Tooth disease dominant intermediate E; Focal segmental glomerulosclerosis 5. Last evaluated: 2025-10-17. Review status: criteria provided, single submitter. Criteria: Invitae Variant Classification Sherloc (09022015). Collection method: clinical testing. Allele origin: germline.

Ambry Genetics
Classification: Likely benign for Inborn genetic diseases. Last evaluated: 2024-01-23. Review status: criteria provided, single submitter. Criteria: Ambry Variant Classification Scheme 2023. Collection method: clinical testing. Allele origin: germline.

Fulgent Genetics
Classification: Likely benign for Focal segmental glomerulosclerosis 5; Charcot-Marie-Tooth disease dominant intermediate E. Last evaluated: 2022-02-15. Review status: criteria provided, single submitter. Criteria: ACMG Guidelines, 2015. Collection method: clinical testing. Allele origin: unknown.

GeneDx
Classification: Likely benign. Last evaluated: 2021-05-11. Review status: criteria provided, single submitter. Criteria: GeneDx Variant Classification Process June 2021. Collection method: clinical testing. Allele origin: germline. Affected: yes.

PreventionGenetics, part of Exact Sciences
Classification: Likely benign for INF2-related condition. Last evaluated: 2022-08-16. Review status: no assertion criteria provided. Collection method: clinical testing. Allele origin: germline. Not counted in ClinVar's aggregate classification.
Comment: This variant is classified as likely benign based on ACMG/AMP sequence variant interpretation guidelines (Richards et al. 2015 PMID: 25741868, with internal and published modifications).